The following is an entry in ClinVar:

ClinVar aggregate classification (germline): Likely benign (1 of 4 stars; one submission).

Allele frequency attached by ClinVar (database versions not stated): gnomAD exomes 0.00010; gnomAD 0.00102 and 0.00103; TOPMed 0.00109; 1000 Genomes Project 0.00240; 1000 Genomes Project 30x 0.00250.
gnomAD v4.1: 239 of 985,452 alleles (0.024%); highest among the groups gnomAD compares: African/African-American, 0.39%; 1 homozygote.

Submission:

GeneDx
Classification: Likely benign. Last evaluated: 2017-04-26. Review status: criteria provided, single submitter. Criteria: GeneDx Variant Classification (06012015). Collection method: clinical testing. Allele origin: germline. Affected: yes.
Comment: This variant is considered likely benign or benign based on one or more of the following criteria: it is a conservative change, it occurs at a poorly conserved position in the protein, it is predicted to be benign by multiple in silico algorithms, and/or has population frequency not consistent with disease.

NM_025243.4(SLC19A3):c.-6G>T

Gene: SLC19A3 (solute carrier family 19 member 3; minus strand). Cytogenetic location: 2q36.3.
Variant type: single nucleotide variant.
Coding change: c.-6G>T on transcript NM_025243.4 (MANE Select); 6 bases upstream of the start codon, G replaced by T.
Molecular consequence: 5 prime UTR variant.
Genome position (GRCh38, 1-based): chr2:227,717,946, C>A on the plus strand (G>T on the coding strand, the complement: SLC19A3 is on the minus strand). VCF-style: chr2-227717946-C-A. GRCh37 (hg19) VCF-style: chr2-228582662-C-A.
Identifiers: ClinVar variation 380674 (VCV000380674.1), dbSNP rs144189716, ClinGen allele CA16604157.